The following is an entry in ClinVar:

ClinVar aggregate classification (germline): Likely pathogenic (1 of 4 stars; one submission).

Conditions:
Hypotonia, infantile, with psychomotor retardation and characteristic facies 3 (IHPRF3). Also called: TBCK-Related Neurodevelopmental Disorder. Identifiers: Orphanet 488632, MedGen C5567480, MONDO:0014823, OMIM 616900.

Allele frequency attached by ClinVar (database versions not stated): TOPMed 0.00001.

Submission:

Women's Health and Genetics/Laboratory Corporation of America, LabCorp
Classification: Likely pathogenic for Hypotonia, infantile, with psychomotor retardation and characteristic facies 3. Last evaluated: 2024-06-19. Review status: criteria provided, single submitter. Criteria: LabCorp Variant Classification Summary - May 2015. Collection method: clinical testing. Allele origin: germline.
Comment: Variant summary: TBCK c.931G>A (p.Asp311Asn) results in a conservative amino acid change in the encoded protein sequence. Four of five in-silico tools predict a benign effect of the variant on protein function. Several computational tools predict a significant impact on normal splicing: Two predict the variant abolishes a 5' splicing donor site. Two predict the variant weakens a 5' donor site. Splicing studies at our laboratory show experimental evidence that this variant affects mRNA splicing. The variant was absent in 248868 control chromosomes. ClinVar contains an entry for this variant (Variation ID: 3233844). Based on the evidence outlined above, the variant was classified as likely pathogenic.

NM_001163435.3(TBCK):c.931G>A (p.Asp311Asn)

Gene: TBCK (TBC1 domain containing kinase; minus strand). Cytogenetic location: 4q24.
Variant type: single nucleotide variant.
Coding change: c.931G>A on transcript NM_001163435.3 (MANE Select); coding-DNA position 931, G replaced by A.
Protein change: p.Asp311Asn; replaces aspartic acid 311 with asparagine.
Molecular consequence: missense variant.
Genome position (GRCh38, 1-based): chr4:106,247,139, C>T on the plus strand (G>A on the coding strand, the complement: TBCK is on the minus strand). VCF-style: chr4-106247139-C-T. GRCh37 (hg19) VCF-style: chr4-107168296-C-T.
Other names: c.931G>A, p.Asp311Asn (NM_001163436.4); c.814G>A, p.Asp272Asn (NM_001163437.3); c.415G>A, p.Asp139Asn (NM_001290768.2); c.742G>A, p.Asp248Asn (NM_033115.5); short protein forms D139N, D248N, D272N, D311N.
Identifiers: ClinVar variation 3233844 (VCV003233844.2), dbSNP rs1004103406, ClinGen allele CA102843262.